The following is an entry in ClinVar:

NM_001364905.1(LRBA):c.109C>T (p.Pro37Ser)

Gene: LRBA (LPS responsive beige-like anchor protein; minus strand). Cytogenetic location: 4q31.3.
Variant type: single nucleotide variant.
Coding change: c.109C>T on transcript NM_001364905.1 (MANE Select); coding-DNA position 109, C replaced by T.
Protein change: p.Pro37Ser; replaces proline 37 with serine.
Molecular consequence: missense variant.
Genome position (GRCh38, 1-based): chr4:151,014,534, G>A on the plus strand (C>T on the coding strand, the complement: LRBA is on the minus strand). VCF-style: chr4-151014534-G-A. GRCh37 (hg19) VCF-style: chr4-151935686-G-A.
Other names: c.109C>T, p.Pro37Ser (NM_001199282.3, NM_001367550.1, NM_006726.5); short protein forms P37S.
Identifiers: ClinVar variation 1014872 (VCV001014872.6), dbSNP rs374519451, ClinGen allele CA3103968.
Genomic context (GRCh38, chr4:151,014,534, plus strand): 5'-CTTCAACCAAACCGGTCAACACGGCAAATTTCATTCTGATGCCCCTGATGGGGAGCCCTG[G>A]TTTCAGAGACAATGCACCCCCTTCAGTAGGGGTTTCTTCTCTCCCTCCACCTCCCCCGTC-3'
Protein context (NP_001351834.1, residues 27-47): PTEGGALSLK[Pro37Ser]GLPIRGIRMK

ClinVar aggregate classification (germline): Uncertain significance. Review status: criteria provided, single submitter (1 of 4 stars). 2 submissions from 2 submitters: Uncertain significance (1). 1 of the submissions does not count toward it. Last evaluated 2021-08-27.

Conditions:
Combined immunodeficiency due to LRBA deficiency. Also called: Common variable immunodeficiency 8, with autoimmunity. Identifiers: Orphanet 445018, MedGen C3553512, MONDO:0013863, OMIM 614700.
Meniere disease. Also called: Ménière's disease. Identifiers: MedGen C0025281, MONDO:0007972, OMIM 156000.

Allele frequency attached by ClinVar (database versions not stated): gnomAD exomes 0.00003 and 0.00010; TOPMed 0.00003; gnomAD 0.00004; ExAC 0.00005; ESP Exome Variant Server 0.00008.
gnomAD v4.1: 155 of 1,613,940 alleles (0.0096%); highest among the groups gnomAD compares: Middle Eastern, 0.016%; no homozygotes.

Submissions (2):

Labcorp Genetics (formerly Invitae), Labcorp
Classification: Uncertain significance for Combined immunodeficiency due to LRBA deficiency. Last evaluated: 2021-08-27. Review status: criteria provided, single submitter. Criteria: Invitae Variant Classification Sherloc (09022015). Collection method: clinical testing. Allele origin: germline.
Comment: This sequence change replaces proline with serine at codon 37 of the LRBA protein (p.Pro37Ser). The proline residue is weakly conserved and there is a moderate physicochemical difference between proline and serine. This variant is present in population databases (rs374519451, ExAC 0.009%). This variant has not been reported in the literature in individuals affected with LRBA-related conditions. Algorithms developed to predict the effect of missense changes on protein structure and function are either unavailable or do not agree on the potential impact of this missense change (SIFT: "Tolerated"; PolyPhen-2: "Probably Damaging"; Align-GVGD: "Class C0"). In summary, the available evidence is currently insufficient to determine the role of this variant in disease. Therefore, it has been classified as a Variant of Uncertain Significance.

Center for Computational Biology & Bioinformatics, University of California, San Diego
Classification: Uncertain significance for Meniere disease. Last evaluated: 2024-06-03. Review status: no assertion criteria provided. Collection method: research. Allele origin: germline. Affected: yes. Not counted in ClinVar's aggregate classification.